The following is an entry in ClinVar:

NM_000179.3(MSH6):c.260+426G>A

Genes: MSH6 (mutS homolog 6; plus strand), LOC129933708 (ATAC-STARR-seq lymphoblastoid silent region 11469; plus strand). Cytogenetic location: 2p16.3.
Variant type: single nucleotide variant.
Coding change: c.260+426G>A on transcript NM_000179.3 (MANE Select); 426 bases into the intron after coding-DNA position 260, G replaced by A.
Molecular consequence: intron variant.
Genome position (GRCh38, 1-based): chr2:47,783,919, G>A. VCF-style: chr2-47783919-G-A. GRCh37 (hg19) VCF-style: chr2-48011058-G-A.
Other names: c.260+426G>A (NM_001406809.1, NM_001406796.1, NM_001406795.1 and 8 more transcripts); c.-477+426G>A (NM_001406811.1, NM_001281493.2); c.-38+688G>A (NM_001406805.1, NM_001406797.1, NM_001406801.1); c.-669+426G>A (NM_001406807.1); c.-735+426G>A (NM_001406814.1); c.-324+426G>A (NM_001406812.1); c.-69+426G>A (NM_001406799.1); c.-280+426G>A (NM_001406816.1); and 5 more.
Identifiers: ClinVar variation 2688266 (VCV002688266.2), dbSNP rs3136235, ClinGen allele CA15189736.
Genomic context (GRCh38, chr2:47,783,919, plus strand): 5'-TGGGGCGAGAAGGGGAAGGCGCCCGGCCCACTTGGTGGGCGGGGCGGGGGGCGGGGTGGC[G>A]GGAAGGAGGAATGCCTGCGGGAGGCCGAACGGGGAGAGTCCGGTGGTGTGGGGTGCGAAA-3'

ClinVar aggregate classification (germline): Benign (1 of 4 stars; one submission).

Allele frequency attached by ClinVar (database versions not stated): 1000 Genomes Project 0.06809; gnomAD 0.11825; TOPMed 0.12476; gnomAD exomes 0.18167.
gnomAD v4.1: 173,173 of 1,006,482 alleles (17%); highest among the groups gnomAD compares: Non-Finnish European, 19%; 16,255 homozygotes.

Submission:

Unidad de Genómica Garrahan, Hospital de Pediatría Garrahan
Classification: Benign. Last evaluated: 2024-01-24. Review status: criteria provided, single submitter. Criteria: ACMG Guidelines, 2015. Collection method: clinical testing. Allele origin: germline. Affected: no. Observed: 27 variant alleles.
Comment: This variant is classified as Benign based on local population frequency. This variant was detected in 28% of patients studied by a panel of primary immunodeficiencies. Number of patients: 27. Only high quality variants are reported.